The following is an entry in ClinVar:

ClinVar aggregate classification (germline): Pathogenic (1 of 4 stars; one submission).

Submission:

Labcorp Genetics (formerly Invitae), Labcorp
Classification: Pathogenic. Last evaluated: 2022-03-04. Review status: criteria provided, single submitter. Criteria: Invitae Variant Classification Sherloc (09022015). Collection method: clinical testing. Allele origin: germline.
Comment: For these reasons, this variant has been classified as Pathogenic. This variant has not been reported in the literature in individuals affected with TANGO2-related conditions. This variant is not present in population databases (gnomAD no frequency). This sequence change creates a premature translational stop signal (p.Leu36*) in the TANGO2 gene. It is expected to result in an absent or disrupted protein product. Loss-of-function variants in TANGO2 are known to be pathogenic (PMID: 26805781, 26805782).

Literature cited by the submitters: PubMed 26805781; PubMed 26805782.

NM_152906.7(TANGO2):c.107T>G (p.Leu36Ter)

Gene: TANGO2 (transport and golgi organization 2 homolog; plus strand). Cytogenetic location: 22q11.21.
Variant type: single nucleotide variant.
Coding change: c.107T>G on transcript NM_152906.7 (MANE Select); coding-DNA position 107, T replaced by G.
Protein change: p.Leu36Ter; replaces leucine 36 with a stop codon.
Molecular consequence: nonsense. On other transcripts: 5 prime UTR variant (12), non-coding transcript variant (5).
Genome position (GRCh38, 1-based): chr22:20,043,405, T>G. VCF-style: chr22-20043405-T-G. GRCh37 (hg19) VCF-style: chr22-20030928-T-G.
Other names: c.107T>G, p.Leu36Ter (NM_001283106.3, NM_001283116.3, NM_001283148.3 and 10 more transcripts); c.230T>G, p.Leu77Ter (NM_001283129.3, NM_001283215.3, NM_001322141.2 and 5 more transcripts); c.-73T>G (NM_001283235.3, NM_001322146.2, NM_001322148.2 and 9 more transcripts); short protein forms L36*, L77*.
Identifiers: ClinVar variation 2106051 (VCV002106051.4), dbSNP rs2518523051, ClinGen allele CA410693033.